The following is an entry in ClinVar:

NM_001267550.2(TTN):c.3899A>G (p.Tyr1300Cys)

Genes: TTN (titin; minus strand), LOC101927055 (uncharacterized LOC101927055; plus strand). Cytogenetic location: 2q31.2.
Variant type: single nucleotide variant.
Coding change: c.3899A>G on transcript NM_001267550.2 (MANE Select); coding-DNA position 3899, A replaced by G.
Protein change: p.Tyr1300Cys; replaces tyrosine 1300 with cysteine.
Molecular consequence: missense variant.
Genome position (GRCh38, 1-based): chr2:178,779,293, T>C on the plus strand (A>G on the coding strand, the complement: TTN is on the minus strand). VCF-style: chr2-178779293-T-C. GRCh37 (hg19) VCF-style: chr2-179644020-T-C.
Other names: p.Y1300C:TAT>TGT; c.3899A>G, p.Tyr1300Cys (NM_001256850.1, NM_133378.4, NM_133379.5); c.3761A>G, p.Tyr1254Cys (NM_003319.4, NM_133432.3, NM_133437.4); short protein forms Y1300C, Y1254C.
Identifiers: ClinVar variation 203121 (VCV000203121.3), dbSNP rs188090472, ClinGen allele CA311309.

ClinVar aggregate classification (germline): Uncertain significance. Review status: criteria provided, single submitter (1 of 4 stars). 2 submissions from 2 submitters: Uncertain significance (1). 1 of the submissions does not count toward it. Last evaluated 2019-03-27.

Conditions:
Cardiovascular phenotype. Identifiers: MedGen CN230736.

Allele frequency attached by ClinVar (database versions not stated): ExAC 0.00002; gnomAD 0.00002 and 0.00003; gnomAD exomes 0.00002; 1000 Genomes Project 30x 0.00016; 1000 Genomes Project 0.00020.
gnomAD v4.1: 29 of 1,613,540 alleles (0.0018%); highest among the groups gnomAD compares: Non-Finnish European, 0.0025%; no homozygotes.

Submissions (2):

Ambry Genetics
Classification: Uncertain significance for Cardiovascular phenotype. Last evaluated: 2019-03-27. Review status: criteria provided, single submitter. Criteria: Ambry Variant Classification Scheme 2023. Collection method: clinical testing. Allele origin: germline.
Comment: The p.Y1254C variant (also known as c.3761A>G), located in coding exon 21 of the TTN gene, results from an A to G substitution at nucleotide position 3761. The tyrosine at codon 1254 is replaced by cysteine, an amino acid with highly dissimilar properties. This amino acid position is highly conserved in available vertebrate species. In addition, this alteration is predicted to be deleterious by in silico analysis. Since supporting evidence is limited at this time, the clinical significance of this alteration remains unclear.

GeneDx
No classification provided. Last evaluated: 2014-12-05. Review status: no classification provided. Criteria: GeneDx Variant Classification (06012015). Collection method: clinical testing. Allele origin: germline. Affected: yes. Not counted in ClinVar's aggregate classification.
Comment: Missense variants in the TTN gene are considered 'unclassified' if they are not previously reported in the literature and do not have >1% frequency in the population to be considered a polymorphism. Research indicates that truncating mutations in the TTN gene are expected to account for approximately 25% of familial and 18% of sporadic idiopathic DCM; however, truncating variants in the TTN gene have been reported in approximately 3% of reported control alleles. There has been little investigation into non-truncating variants. (Herman D et al. Truncations of titin causing dilated cardiomyopathy. N Eng J Med 366:619-628, 2012) The variant is found in CARDIOMYOPATHY panel(s).